The following is an entry in ClinVar:

NM_003896.4(ST3GAL5):c.70C>T (p.Pro24Ser)

Genes: ST3GAL5 (ST3 beta-galactoside alpha-2,3-sialyltransferase 5; minus strand), LOC129934236 (ATAC-STARR-seq lymphoblastoid silent region 11709; plus strand). Cytogenetic location: 2p11.2.
Variant type: single nucleotide variant.
Coding change: c.70C>T on transcript NM_003896.4 (MANE Select); coding-DNA position 70, C replaced by T.
Protein change: p.Pro24Ser; replaces proline 24 with serine.
Molecular consequence: missense variant. On other transcripts: 5 prime UTR variant (6).
Genome position (GRCh38, 1-based): chr2:85,888,836, G>A on the plus strand (C>T on the coding strand, the complement: ST3GAL5 is on the minus strand). VCF-style: chr2-85888836-G-A. GRCh37 (hg19) VCF-style: chr2-86115959-G-A.
Other names: c.-893C>T (NM_001354223.2); c.-555C>T (NM_001354224.2); c.-492C>T (NM_001354226.2); c.-202C>T (NM_001354227.2); c.-146C>T (NM_001354229.2); c.-932C>T (NM_001354233.2); c.70C>T, p.Pro24Ser (NM_001363847.1); short protein forms P24S.
Identifiers: ClinVar variation 837453 (VCV000837453.8), dbSNP rs952271385, ClinGen allele CA51351161.
Genomic context (GRCh38, chr2:85,888,836, plus strand): 5'-CCAGCCCGCGGGCCCCCGCGACGCCGAGGAGGGGGCTGCGCCACGTACCTCGGCCGGCAG[G>A]TGCCGCCGCTGCCTCGGTCCGCGGCTGCAGGGGACGCCGCTCCGCGCAGCCCGCCGCCTT-3'
Protein context (NP_003887.3, residues 14-34): LQPRTEAAAA[Pro24Ser]AGRAMPSEYT

ClinVar aggregate classification (germline): Conflicting classifications of pathogenicity. Review status: criteria provided, conflicting classifications (1 of 4 stars). 3 submissions from 3 submitters: Uncertain significance (2); Likely benign (1). Last evaluated 2024-11-25.

Conditions:
Inborn genetic diseases. Identifiers: MedGen C0950123, MeSH D030342.
GM3 synthase deficiency (SPDRS). Also called: SALT AND PEPPER DEVELOPMENTAL REGRESSION SYNDROME; AMISH INFANTILE EPILEPSY SYNDROME; SALT AND PEPPER MENTAL RETARDATION SYNDROME. Identifiers: Orphanet 171714, Orphanet 370933, MedGen C1836824, MONDO:0018274, OMIM 609056.

Allele frequency attached by ClinVar (database versions not stated): gnomAD 0.00001; gnomAD exomes 0.00001 and 0.00009; TOPMed 0.00004.
gnomAD v4.1: 22 of 1,286,298 alleles (0.0017%); highest among the groups gnomAD compares: Admixed American, 0.014%; no homozygotes.

Submissions (3):

Labcorp Genetics (formerly Invitae), Labcorp
Classification: Uncertain significance for GM3 synthase deficiency. Last evaluated: 2024-11-25. Review status: criteria provided, single submitter. Criteria: Invitae Variant Classification Sherloc (09022015). Collection method: clinical testing. Allele origin: germline.
Comment: This sequence change replaces proline, which is neutral and non-polar, with serine, which is neutral and polar, at codon 24 of the ST3GAL5 protein (p.Pro24Ser). The frequency data for this variant in the population databases is considered unreliable, as metrics indicate poor data quality at this position in the gnomAD database. This variant has not been reported in the literature in individuals affected with ST3GAL5-related conditions. ClinVar contains an entry for this variant (Variation ID: 837453). Invitae Evidence Modeling of protein sequence and biophysical properties (such as structural, functional, and spatial information, amino acid conservation, physicochemical variation, residue mobility, and thermodynamic stability) has been performed for this missense variant. However, the output from this modeling did not meet the statistical confidence thresholds required to predict the impact of this variant on ST3GAL5 protein function. In summary, the available evidence is currently insufficient to determine the role of this variant in disease. Therefore, it has been classified as a Variant of Uncertain Significance.

Ambry Genetics
Classification: Likely benign for Inborn genetic diseases. Last evaluated: 2024-11-15. Review status: criteria provided, single submitter. Criteria: Ambry Variant Classification Scheme 2023. Collection method: clinical testing. Allele origin: germline.

Fulgent Genetics
Classification: Uncertain significance for GM3 synthase deficiency. Last evaluated: 2022-02-11. Review status: criteria provided, single submitter. Criteria: ACMG Guidelines, 2015. Collection method: clinical testing. Allele origin: unknown.